The following is an entry in ClinVar:

ClinVar aggregate classification (germline): Uncertain significance (1 of 4 stars; one submission).

Submission:

Labcorp Genetics (formerly Invitae), Labcorp
Classification: Uncertain significance. Last evaluated: 2023-03-17. Review status: criteria provided, single submitter. Criteria: Invitae Variant Classification Sherloc (09022015). Collection method: clinical testing. Allele origin: germline.
Comment: This sequence change replaces asparagine, which is neutral and polar, with aspartic acid, which is acidic and polar, at codon 261 of the BACH2 protein (p.Asn261Asp). This variant is not present in population databases (gnomAD no frequency). This variant has not been reported in the literature in individuals affected with BACH2-related conditions. Advanced modeling of protein sequence and biophysical properties (such as structural, functional, and spatial information, amino acid conservation, physicochemical variation, residue mobility, and thermodynamic stability) performed at Invitae indicates that this missense variant is not expected to disrupt BACH2 protein function. In summary, the available evidence is currently insufficient to determine the role of this variant in disease. Therefore, it has been classified as a Variant of Uncertain Significance.

NM_021813.4(BACH2):c.781A>G (p.Asn261Asp)

Gene: BACH2 (BACH transcriptional regulator 2; minus strand). Cytogenetic location: 6q15.
Variant type: single nucleotide variant.
Coding change: c.781A>G on transcript NM_021813.4 (MANE Select); coding-DNA position 781, A replaced by G.
Protein change: p.Asn261Asp; replaces asparagine 261 with aspartic acid.
Molecular consequence: missense variant.
Genome position (GRCh38, 1-based): chr6:89,951,325, T>C on the plus strand (A>G on the coding strand, the complement: BACH2 is on the minus strand). VCF-style: chr6-89951325-T-C. GRCh37 (hg19) VCF-style: chr6-90661044-T-C.
Other names: c.781A>G, p.Asn261Asp (NM_001170794.2); short protein forms N261D.
Identifiers: ClinVar variation 2982489 (VCV002982489.3), dbSNP rs2128356988, ClinGen allele CA365072246.